The following is an entry in ClinVar:

NM_001283009.2(RTEL1):c.242T>C (p.Phe81Ser)

Genes: RTEL1 (regulator of telomere elongation helicase 1; plus strand), RTEL1-TNFRSF6B (RTEL1-TNFRSF6B readthrough (NMD candidate); plus strand). Cytogenetic location: 20q13.33.
Variant type: single nucleotide variant.
Coding change: c.242T>C on transcript NM_001283009.2 (MANE Select); coding-DNA position 242, T replaced by C.
Protein change: p.Phe81Ser; replaces phenylalanine 81 with serine.
Molecular consequence: missense variant. On other transcripts: non-coding transcript variant (1), 5 prime UTR variant (1).
Genome position (GRCh38, 1-based): chr20:63,661,437, T>C. VCF-style: chr20-63661437-T-C. GRCh37 (hg19) VCF-style: chr20-62292790-T-C.
Other names: c.-428T>C (NM_001283010.1); c.242T>C, p.Phe81Ser (NM_016434.4, NM_032957.5); short protein forms F81S.
Identifiers: ClinVar variation 3948252 (VCV003948252.1).

ClinVar aggregate classification (germline): Uncertain significance (1 of 4 stars; one submission).

Conditions:
Inborn genetic diseases. Identifiers: MedGen C0950123, MeSH D030342.

gnomAD v4.1: 1 of 1,613,738 alleles (0.000062%); highest among the groups gnomAD compares: South Asian, 0.0011%; no homozygotes.

Submission:

Ambry Genetics
Classification: Uncertain significance for Inborn genetic diseases. Last evaluated: 2025-03-25. Review status: criteria provided, single submitter. Criteria: Ambry Variant Classification Scheme 2023. Collection method: clinical testing. Allele origin: germline.
Comment: The p.F81S variant (also known as c.242T>C), located in coding exon 2 of the RTEL1 gene, results from a T to C substitution at nucleotide position 242. The phenylalanine at codon 81 is replaced by serine, an amino acid with highly dissimilar properties. This amino acid position is conserved. In addition, this alteration is predicted to be tolerated by in silico analysis. Based on the available evidence, the clinical significance of this variant remains unclear.